The following is an entry in ClinVar:

NM_016169.4(SUFU):c.65C>G (p.Ala22Gly)

Genes: SUFU (SUFU negative regulator of hedgehog signaling; plus strand), LOC130004614 (ATAC-STARR-seq lymphoblastoid silent region 2764; plus strand). Cytogenetic location: 10q24.32.
Variant type: single nucleotide variant.
Coding change: c.65C>G on transcript NM_016169.4 (MANE Select); coding-DNA position 65, C replaced by G.
Protein change: p.Ala22Gly; replaces alanine 22 with glycine.
Molecular consequence: missense variant.
Genome position (GRCh38, 1-based): chr10:102,504,217, C>G. VCF-style: chr10-102504217-C-G. GRCh37 (hg19) VCF-style: chr10-104263974-C-G.
Other names: c.65C>G, p.Ala22Gly (NM_001178133.2); short protein forms A22G.
Identifiers: ClinVar variation 406384 (VCV000406384.12), dbSNP rs761240106, ClinGen allele CA5667586.

ClinVar aggregate classification (germline): Conflicting classifications of pathogenicity. Review status: criteria provided, conflicting classifications (1 of 4 stars). 2 submissions from 2 submitters: Uncertain significance (1); Benign (1). Last evaluated 2026-01-10.

Conditions:
Medulloblastoma (MDB). Also called: Medulloblastoma, somatic; MEDULLOBLASTOMA PREDISPOSITION SYNDROME. Identifiers: Orphanet 616, MedGen C0025149, MeSH D008527, MONDO:0007959, OMIM 155255, HP:0002885.
Gorlin syndrome. Also called: Nevoid Basal Cell Carcinoma Syndrome; Basal cell nevus syndrome. Identifiers: Orphanet 377, MedGen C0004779, MONDO:0007187.
Hereditary cancer-predisposing syndrome. Also called: Tumor predisposition; Neoplastic Syndromes, Hereditary; Hereditary Cancer Syndrome; Hereditary neoplastic syndrome. Identifiers: Orphanet 140162, MedGen C0027672, MeSH D009386, MONDO:0015356.

Allele frequency attached by ClinVar (database versions not stated): gnomAD 0.00001; gnomAD exomes 0.00001; TOPMed 0.00001; ExAC 0.00003.
gnomAD v4.1: 1 of 1,605,492 alleles (0.000062%); highest among the groups gnomAD compares: African/African-American, 0.0013%; no homozygotes.

Submissions (2):

Labcorp Genetics (formerly Invitae), Labcorp
Classification: Uncertain significance for Gorlin syndrome; Medulloblastoma. Last evaluated: 2026-01-10. Review status: criteria provided, single submitter. Criteria: Invitae Variant Classification Sherloc (09022015). Collection method: clinical testing. Allele origin: germline.
Comment: This sequence change replaces alanine, which is neutral and non-polar, with glycine, which is neutral and non-polar, at codon 22 of the SUFU protein (p.Ala22Gly). This variant is present in population databases (rs761240106, gnomAD 0.02%). This variant has not been reported in the literature in individuals affected with SUFU-related conditions. ClinVar contains an entry for this variant (Variation ID: 406384). An algorithm developed to predict the effect of missense changes on protein structure and function (PolyPhen-2) suggests that this variant is likely to be tolerated. In summary, the available evidence is currently insufficient to determine the role of this variant in disease. Therefore, it has been classified as a Variant of Uncertain Significance.

Ambry Genetics
Classification: Benign for Hereditary cancer-predisposing syndrome. Last evaluated: 2024-01-05. Review status: criteria provided, single submitter. Criteria: Ambry Variant Classification Scheme 2023. Collection method: clinical testing. Allele origin: germline.